The following is an entry in ClinVar:

ClinVar aggregate classification (germline): Uncertain significance. Review status: criteria provided, single submitter (1 of 4 stars). 2 submissions from 2 submitters: Uncertain significance (1). 1 of the submissions does not count toward it. Last evaluated 2025-05-27.

Conditions:
Fanconi anemia (FA). Also called: Fanconi's anemia. Identifiers: Orphanet 84, MedGen C0015625, MeSH D005199, MONDO:0019391.

Allele frequency attached by ClinVar (database versions not stated): gnomAD exomes below 0.00001.
gnomAD v4.1: 1 of 1,614,118 alleles (0.000062%); highest among the groups gnomAD compares: Non-Finnish European, 0.000085%; no homozygotes.

Submissions (2):

Labcorp Genetics (formerly Invitae), Labcorp
Classification: Uncertain significance for Fanconi anemia. Last evaluated: 2025-05-27. Review status: criteria provided, single submitter. Criteria: Invitae Variant Classification Sherloc (09022015). Collection method: clinical testing. Allele origin: germline.
Comment: This sequence change replaces leucine, which is neutral and non-polar, with phenylalanine, which is neutral and non-polar, at codon 920 of the FANCA protein (p.Leu920Phe). This variant is not present in population databases (gnomAD no frequency). This variant has not been reported in the literature in individuals affected with FANCA-related conditions. ClinVar contains an entry for this variant (Variation ID: 2974500). Invitae Evidence Modeling of protein sequence and biophysical properties (such as structural, functional, and spatial information, amino acid conservation, physicochemical variation, residue mobility, and thermodynamic stability) indicates that this missense variant is expected to disrupt FANCA protein function with a positive predictive value of 95%. In summary, the available evidence is currently insufficient to determine the role of this variant in disease. Therefore, it has been classified as a Variant of Uncertain Significance.

Natera, Inc.
Classification: Uncertain significance for Fanconi anemia. Last evaluated: 2025-04-30. Review status: no assertion criteria provided. Collection method: clinical testing. Allele origin: germline. Not counted in ClinVar's aggregate classification.

NM_000135.4(FANCA):c.2760G>C (p.Leu920Phe)

Gene: FANCA (FA complementation group A; minus strand). Cytogenetic location: 16q24.3.
Variant type: single nucleotide variant.
Coding change: c.2760G>C on transcript NM_000135.4 (MANE Select); coding-DNA position 2760, G replaced by C.
Protein change: p.Leu920Phe; replaces leucine 920 with phenylalanine.
Molecular consequence: missense variant.
Genome position (GRCh38, 1-based): chr16:89,764,908, C>G on the plus strand (G>C on the coding strand, the complement: FANCA is on the minus strand). VCF-style: chr16-89764908-C-G. GRCh37 (hg19) VCF-style: chr16-89831316-C-G.
Other names: c.2760G>C, p.Leu920Phe (NM_001286167.3); c.2760G>C (NM_000135.3); short protein forms L920F.
Identifiers: ClinVar variation 2974500 (VCV002974500.4), dbSNP rs2039073729, ClinGen allele CA397437949.